The following is an entry in ClinVar:

NM_001013838.3(CARMIL2):c.3910G>C (p.Gly1304Arg)

Gene: CARMIL2 (capping protein regulator and myosin 1 linker 2; plus strand). Cytogenetic location: 16q22.1.
Variant type: single nucleotide variant.
Coding change: c.3910G>C on transcript NM_001013838.3 (MANE Select); coding-DNA position 3910, G replaced by C.
Protein change: p.Gly1304Arg; replaces glycine 1304 with arginine.
Molecular consequence: missense variant.
Genome position (GRCh38, 1-based): chr16:67,656,519, G>C. VCF-style: chr16-67656519-G-C. GRCh37 (hg19) VCF-style: chr16-67690422-G-C.
Other names: c.3802G>C, p.Gly1268Arg (NM_001317026.3); short protein forms G1268R, G1304R.
Identifiers: ClinVar variation 1008777 (VCV001008777.5), dbSNP rs200061538, ClinGen allele CA8114210.

ClinVar aggregate classification (germline): Uncertain significance. Review status: criteria provided, multiple submitters, no conflicts (2 of 4 stars). 2 submissions from 2 submitters: Uncertain significance (2). Last evaluated 2024-11-20.

Allele frequency attached by ClinVar (database versions not stated): gnomAD 0.00007 and 0.00008; TOPMed 0.00011; gnomAD exomes 0.00012; ExAC 0.00013.
gnomAD v4.1: 185 of 1,613,482 alleles (0.011%); highest among the groups gnomAD compares: Non-Finnish European, 0.015%; no homozygotes.

Submissions (2):

Blueprint Genetics
Classification: Uncertain significance. Last evaluated: 2024-11-20. Review status: criteria provided, single submitter. Criteria: ACMG Guidelines, 2015. Collection method: clinical testing. Allele origin: germline.

Labcorp Genetics (formerly Invitae), Labcorp
Classification: Uncertain significance. Last evaluated: 2022-10-21. Review status: criteria provided, single submitter. Criteria: Invitae Variant Classification Sherloc (09022015). Collection method: clinical testing. Allele origin: germline.
Comment: This sequence change replaces glycine, which is neutral and non-polar, with arginine, which is basic and polar, at codon 1304 of the CARMIL2 protein (p.Gly1304Arg). This variant is present in population databases (rs200061538, gnomAD 0.02%). This variant has not been reported in the literature in individuals affected with CARMIL2-related conditions. ClinVar contains an entry for this variant (Variation ID: 1008777). Algorithms developed to predict the effect of missense changes on protein structure and function are either unavailable or do not agree on the potential impact of this missense change (SIFT: "Deleterious"; PolyPhen-2: "Possibly Damaging"; Align-GVGD: "Class C0"). In summary, the available evidence is currently insufficient to determine the role of this variant in disease. Therefore, it has been classified as a Variant of Uncertain Significance.